The following is an entry in ClinVar:

ClinVar aggregate classification (germline): Uncertain significance (1 of 4 stars; one submission).

Conditions:
Hypertrophic cardiomyopathy 1 (CMH1). Also called: MYH7-Related Familial Hypertrophic Cardiomyopathy; Familial hypertrophic cardiomyopathy 1. Identifiers: MedGen C3495498, MONDO:0008647, OMIM 192600.

gnomAD v4.1: 1 of 1,614,032 alleles (0.000062%); highest among the groups gnomAD compares: Non-Finnish European, 0.000085%; no homozygotes.

Submission:

Agnes Ginges Centre for Molecular Cardiology, Centenary Institute
Classification: Uncertain significance for Hypertrophic cardiomyopathy 1. Last evaluated: 2018-10-16. Review status: criteria provided, single submitter. Criteria: ACMG Guidelines, 2015. Collection method: research. Allele origin: germline. Inheritance: Autosomal dominant inheritance. Affected: yes.
Comment: MYH7 Ile313Phe has not been previously reported and is absent in the Genome Aggregation Database. In silico tools SIFT and MutationTaster predict this variant to be deleterious, however PolyPhen2 predicts this variant to 'benign'. In a large HCM population study Walsh et al., showed that MYH7 variants identified in HCM cases were found to cluster between amino acids 181- 937 (2017), this implies that variants in this region are likely to cause a HCM phenotype. Based on the adapted ACMG guidelines (Kelly MA, et al., 2018) the variant is located in a known functional domain of MYH7 (PM1) and is rare in the general population (PM2), therefore we classify MYH7 Ile313Phe as a variant of 'uncertain significance'.

Literature cited by the submitters: PubMed 28790153.

NM_000257.4(MYH7):c.937A>T (p.Ile313Phe)

Gene: MYH7 (myosin heavy chain 7; minus strand). Cytogenetic location: 14q11.2.
Variant type: single nucleotide variant.
Coding change: c.937A>T on transcript NM_000257.4 (MANE Select); coding-DNA position 937, A replaced by T.
Protein change: p.Ile313Phe; replaces isoleucine 313 with phenylalanine.
Molecular consequence: missense variant.
Genome position (GRCh38, 1-based): chr14:23,430,622, T>A on the plus strand (A>T on the coding strand, the complement: MYH7 is on the minus strand). VCF-style: chr14-23430622-T-A. GRCh37 (hg19) VCF-style: chr14-23899831-T-A.
Other names: short protein forms I313F.
Identifiers: ClinVar variation 870083 (VCV000870083.1), dbSNP rs1323103660, ClinGen allele CA389051713.